The following is an entry in ClinVar:

NM_001621.5(AHR):c.1972C>A (p.Gln658Lys)

Gene: AHR (aryl hydrocarbon receptor; plus strand). Cytogenetic location: 7p21.1.
Variant type: single nucleotide variant.
Coding change: c.1972C>A on transcript NM_001621.5 (MANE Select); coding-DNA position 1972, C replaced by A.
Protein change: p.Gln658Lys; replaces glutamine 658 with lysine.
Molecular consequence: missense variant.
Genome position (GRCh38, 1-based): chr7:17,339,797, C>A. VCF-style: chr7-17339797-C-A. GRCh37 (hg19) VCF-style: chr7-17379421-C-A.
Other names: short protein forms Q658K.
Identifiers: ClinVar variation 1401678 (VCV001401678.8), dbSNP rs536076284, ClinGen allele CA154121206.

ClinVar aggregate classification (germline): Uncertain significance (1 of 4 stars; one submission).

Allele frequency attached by ClinVar (database versions not stated): gnomAD exomes 0.00001.
gnomAD v4.1: 5 of 1,614,176 alleles (0.00031%); highest among the groups gnomAD compares: East Asian, 0.0022%; no homozygotes.

Submission:

Labcorp Genetics (formerly Invitae), Labcorp
Classification: Uncertain significance. Last evaluated: 2024-09-16. Review status: criteria provided, single submitter. Criteria: Invitae Variant Classification Sherloc (09022015). Collection method: clinical testing. Allele origin: germline.
Comment: This sequence change replaces glutamine, which is neutral and polar, with lysine, which is basic and polar, at codon 658 of the AHR protein (p.Gln658Lys). This variant is present in population databases (rs536076284, gnomAD 0.006%). This variant has not been reported in the literature in individuals affected with AHR-related conditions. ClinVar contains an entry for this variant (Variation ID: 1401678). An algorithm developed to predict the effect of missense changes on protein structure and function (PolyPhen-2) suggests that this variant is likely to be tolerated. In summary, the available evidence is currently insufficient to determine the role of this variant in disease. Therefore, it has been classified as a Variant of Uncertain Significance.